The following is an entry in ClinVar:

ClinVar aggregate classification (germline): Pathogenic (1 of 4 stars; one submission).

Conditions:
PPFIA3-associated neurodevelopmental disorder.

Submission:

Institute of Human Genetics, University of Leipzig Medical Center
Classification: Pathogenic for PPFIA3-associated neurodevelopmental disorder. Last evaluated: 2024-02-12. Review status: criteria provided, single submitter. Criteria: ACMG Guidelines, 2015. Collection method: clinical testing. Allele origin: de novo. Inheritance: Autosomal dominant inheritance. Affected: yes.
Comment: Criteria applied: PVS1,PS2_MOD,PM2_SUP

NM_003660.4(PPFIA3):c.586_587del (p.Leu196fs)

Gene: PPFIA3 (PTPRF interacting protein alpha 3; plus strand). Cytogenetic location: 19q13.33.
Variant type: Microsatellite.
Coding change: c.586_587del on transcript NM_003660.4 (MANE Select); coding-DNA positions 586 to 587, 2 bases deleted (CT; older notation c.586_587delCT).
Protein change: p.Leu196fs; shifts the reading frame from leucine 196.
Molecular consequence: frameshift variant. On other transcripts: non-coding transcript variant (1).
Genome position (GRCh38, 1-based): chr19:49,129,996-49,129,997, CT deleted; deleting any 2 consecutive bases within chr19:49,129,994-49,129,997 gives the same sequence; the c. name uses the placement nearest the transcript's 3' end. VCF-style (leftmost placement, unchanged base first): chr19-49129993-ACT-A. GRCh37 (hg19) VCF-style: chr19-49633250-ACT-A.
Other names: short protein forms L196fs.
Identifiers: ClinVar variation 3024544 (VCV003024544.3), dbSNP rs2513955324, ClinGen allele CA2740096957.